The following is an entry in ClinVar:

NM_206937.2(LIG4):c.1855G>A (p.Gly619Ser)

Gene: LIG4 (DNA ligase 4; minus strand). Cytogenetic location: 13q33.3.
Variant type: single nucleotide variant.
Coding change: c.1855G>A on transcript NM_206937.2 (MANE Select); coding-DNA position 1855, G replaced by A.
Protein change: p.Gly619Ser; replaces glycine 619 with serine.
Molecular consequence: missense variant.
Genome position (GRCh38, 1-based): chr13:108,209,414, C>T on the plus strand (G>A on the coding strand, the complement: LIG4 is on the minus strand). VCF-style: chr13-108209414-C-T. GRCh37 (hg19) VCF-style: chr13-108861762-C-T.
Other names: c.1855G>A, p.Gly619Ser (NM_002312.3, NM_001098268.2, NM_001352598.2 and 6 more transcripts); c.1654G>A, p.Gly552Ser (NM_001330595.2); c.1891G>A, p.Gly631Ser (NM_001352604.2); short protein forms G619S, G631S, G552S.
Identifiers: ClinVar variation 972614 (VCV000972614.9), dbSNP rs146381209, ClinGen allele CA7043603.
Genomic context (GRCh38, chr13:108,209,414, plus strand): 5'-CAATAACTTTCTTCATCTTTGGGGCAGCTTTCCGCTTTTTTTCTTGTGGTTCATCATCAC[C>T]ACCTATATAAAGGTGTTTAGATGCGAGCTTACCAGATGCCTTCCCCCTAAGTTGTTCTAG-3'
Protein context (NP_996820.1, residues 609-629): KLASKHLYIG[Gly619Ser]DDEPQEKKRK

ClinVar aggregate classification (germline): Uncertain significance (1 of 4 stars; one submission).

Conditions:
DNA ligase IV deficiency. Identifiers: Orphanet 99812, MedGen C1847827, MONDO:0011686, OMIM 606593.

Allele frequency attached by ClinVar (database versions not stated): ExAC 0.00001; gnomAD exomes 0.00001; gnomAD 0.00004 and 0.00005; TOPMed 0.00006; ESP Exome Variant Server 0.00008; 1000 Genomes Project 30x 0.00016; 1000 Genomes Project 0.00020.
gnomAD v4.1: 15 of 1,614,088 alleles (0.00093%); highest among the groups gnomAD compares: African/African-American, 0.017%; no homozygotes.

Submission:

Labcorp Genetics (formerly Invitae), Labcorp
Classification: Uncertain significance for DNA ligase IV deficiency. Last evaluated: 2024-06-23. Review status: criteria provided, single submitter. Criteria: Invitae Variant Classification Sherloc (09022015). Collection method: clinical testing. Allele origin: germline.
Comment: This sequence change replaces glycine, which is neutral and non-polar, with serine, which is neutral and polar, at codon 619 of the LIG4 protein (p.Gly619Ser). This variant is present in population databases (rs146381209, gnomAD 0.01%). This variant has not been reported in the literature in individuals affected with LIG4-related conditions. ClinVar contains an entry for this variant (Variation ID: 972614). Advanced modeling of protein sequence and biophysical properties (such as structural, functional, and spatial information, amino acid conservation, physicochemical variation, residue mobility, and thermodynamic stability) performed at Invitae indicates that this missense variant is not expected to disrupt LIG4 protein function with a negative predictive value of 95%. In summary, the available evidence is currently insufficient to determine the role of this variant in disease. Therefore, it has been classified as a Variant of Uncertain Significance.